The following is an entry in ClinVar:

ClinVar aggregate classification (germline): Likely pathogenic (1 of 4 stars; one submission).

Conditions:
Fanconi anemia (FA). Also called: Fanconi's anemia. Identifiers: Orphanet 84, MedGen C0015625, MeSH D005199, MONDO:0019391.

Submission:

Labcorp Genetics (formerly Invitae), Labcorp
Classification: Likely pathogenic for Fanconi anemia. Last evaluated: 2026-01-22. Review status: criteria provided, single submitter. Criteria: Invitae Variant Classification Sherloc (09022015). Collection method: clinical testing. Allele origin: germline.
Comment: This variant results in the deletion of part of exon 33 (c.3584_3592-24del) of the FANCI gene. It is expected to disrupt RNA splicing. Variants that disrupt the donor or acceptor splice site typically lead to a loss of protein function (PMID: 16199547), and loss-of-function variants in FANCI are known to be pathogenic (PMID: 17452773, 17460694). This variant is not present in population databases (gnomAD no frequency). This variant has not been reported in the literature in individuals affected with FANCI-related conditions. In summary, the currently available evidence indicates that the variant is pathogenic, but additional data are needed to prove that conclusively. Therefore, this variant has been classified as Likely Pathogenic.

Literature cited by the submitters: PubMed 16199547; PubMed 17452773; PubMed 17460694.

NM_001113378.2(FANCI):c.3584_3592-24del

Gene: FANCI (FA complementation group I; plus strand). Cytogenetic location: 15q26.1.
Variant type: Deletion.
Coding change: c.3584_3592-24del on transcript NM_001113378.2 (MANE Select); coding-DNA position 3584 through 24 bases into the intron before coding-DNA position 3592, 68 bases deleted.
Molecular consequence: splice donor variant.
Genome position (GRCh38, 1-based): chr15:89,307,522-89,307,589, 68 bases deleted. GRCh37 (hg19): chr15:89,850,753-89,850,820.
Other names: c.3404_3412-24del (NM_018193.3); c.3584_3592-24del (NM_001376911.1); c.3305_3313-24del (NM_001376910.1).
Identifiers: ClinVar variation 4736013 (VCV004736013.1).